The following is an entry in ClinVar:

NM_000059.4(BRCA2):c.8125A>G (p.Ser2709Gly)

Gene: BRCA2 (BRCA2 DNA repair associated; plus strand). Cytogenetic location: 13q13.1.
Variant type: single nucleotide variant.
Coding change: c.8125A>G on transcript NM_000059.4 (MANE Select); coding-DNA position 8125, A replaced by G.
Protein change: p.Ser2709Gly; replaces serine 2709 with glycine.
Molecular consequence: missense variant.
Genome position (GRCh38, 1-based): chr13:32,363,327, A>G. VCF-style: chr13-32363327-A-G. GRCh37 (hg19) VCF-style: chr13-32937464-A-G.
Other names: 8353A>G; short protein forms S2709G.
Identifiers: ClinVar variation 91501 (VCV000091501.42), dbSNP rs398122596, ClinGen allele CA025463.
Genomic context (GRCh38, chr13:32,363,327, plus strand): 5'-TGTGTTTCTGACATAATTTCATTGAGCGCAAATATATCTGAAACTTCTAGCAATAAAACT[A>G]GTAGTGCAGATACCCAAAAAGTGGCCATTATTGAACTTACAGATGGGTGGTATGCTGTTA-3'
Protein context (NP_000050.3, residues 2699-2719): NISETSSNKT[Ser2709Gly]SADTQKVAII

ClinVar aggregate classification (germline): Conflicting classifications of pathogenicity. Review status: criteria provided, conflicting classifications (1 of 4 stars). 9 submissions from 9 submitters: Uncertain significance (4); Likely benign (3). 2 of the submissions do not count toward it. Last evaluated 2026-02-02.

Conditions:
BRCA2-related disorder. Also called: BRCA2-related condition; BRCA2-related disorders. Identifiers: MedGen CN239275.
Breast and/or ovarian cancer. Identifiers: MedGen CN221562.
Hereditary cancer-predisposing syndrome. Also called: Hereditary neoplastic syndrome; Neoplastic Syndromes, Hereditary; Hereditary Cancer Syndrome; Tumor predisposition. Identifiers: Orphanet 140162, MedGen C0027672, MeSH D009386, MONDO:0015356.
Hereditary breast ovarian cancer syndrome. Also called: Hereditary breast and ovarian cancer syndrome (HBOC); Breast and ovarian cancer; Hereditary breast and ovarian cancer syndrome; BRCA1- and BRCA2-Associated Hereditary Breast and Ovarian Cancer; Hereditary breast and/or ovarian cancer syndrome; Hereditary breast and ovarian cancer. Identifiers: Orphanet 145, MedGen C0677776, MeSH D061325, MONDO:0003582. Disease mechanism: loss of function.
Breast-ovarian cancer, familial, susceptibility to, 2 (BROVCA2). Also called: BRCA2 Hereditary Breast and Ovarian Cancer. Identifiers: Orphanet 145, MedGen C2675520, MONDO:0012933, OMIM 612555. Disease mechanism: loss of function.

Allele frequency attached by ClinVar (database versions not stated): gnomAD exomes 0.00001; ExAC 0.00002; TOPMed 0.00005; gnomAD 0.00006.
gnomAD v4.1: 12 of 1,614,108 alleles (0.00074%); highest among the groups gnomAD compares: African/African-American, 0.016%; no homozygotes.

Submissions (9):

Women's Health and Genetics/Laboratory Corporation of America, LabCorp
Classification: Uncertain significance. Last evaluated: 2026-02-02. Review status: criteria provided, single submitter. Criteria: LabCorp Variant Classification Summary - May 2015. Collection method: clinical testing. Allele origin: germline.
Comment: Variant summary: BRCA2 c.8125A>G (p.Ser2709Gly) results in a non-conservative amino acid change located in the BRCA2, OB1 domain of the encoded protein sequence. Algorithms developed to predict the effect of missense changes on protein structure and function are either unavailable or do not agree on the potential impact of this missense change. The variant allele was found at a frequency of 1.2e-05 in 251348 control chromosomes. The available data on variant occurrences in the general population are insufficient to allow any conclusion about variant significance. c.8125A>G has been observed in an individual affected with glioblastoma multiforme (Lu_2015). These report(s) do not provide unequivocal conclusions about association of the variant with Hereditary Breast And Ovarian Cancer Syndrome. To our knowledge, no experimental evidence demonstrating an impact on protein function has been reported. The following publication have been ascertained in the context of this evaluation (PMID: 26689913). ClinVar contains an entry for this variant (Variation ID: 91501). Based on the evidence outlined above, the variant was classified as uncertain significance.

Labcorp Genetics (formerly Invitae), Labcorp
Classification: Likely benign for Hereditary breast ovarian cancer syndrome. Last evaluated: 2025-12-22. Review status: criteria provided, single submitter. Criteria: Invitae Variant Classification Sherloc (09022015). Collection method: clinical testing. Allele origin: germline.

Quest Diagnostics Nichols Institute San Juan Capistrano
Classification: Uncertain significance. Last evaluated: 2025-06-11. Review status: criteria provided, single submitter. Criteria: Quest Diagnostics criteria. Collection method: clinical testing. Allele origin: unknown.
Comment: The BRCA2 c.8125A>G (p.Ser2709Gly) variant has been reported in the published literature in an individual with unspecified cancer (PMID: 31853058 (2020)). This variant showed benign effects in saturation genome editing assays measuring DNA repair-dependent cell survival (PMIDs: 39779848 (2025)). The frequency of this variant in the general population (Genome Aggregation Database) is uninformative in the assessment of its pathogenicity. Analysis of this variant using bioinformatics tools for the prediction of the effect of amino acid changes on protein structure and function yielded predictions that this variant is benign. Based on the available information, we are unable to determine the clinical significance of this variant.

Ambry Genetics
Classification: Likely benign for Hereditary cancer-predisposing syndrome. Last evaluated: 2025-05-12. Review status: criteria provided, single submitter. Criteria: Ambry Variant Classification Scheme 2023. Collection method: clinical testing. Allele origin: germline.

Color Diagnostics, LLC DBA Color Health
Classification: Likely benign for Hereditary cancer-predisposing syndrome. Last evaluated: 2025-04-28. Review status: criteria provided, single submitter. Criteria: ACMG Guidelines, 2015. Collection method: clinical testing. Allele origin: germline.

GeneDx
Classification: Uncertain significance. Last evaluated: 2024-03-08. Review status: criteria provided, single submitter. Criteria: GeneDx Variant Classification Process June 2021. Collection method: clinical testing. Allele origin: germline. Affected: yes.
Comment: Not observed at significant frequency in large population cohorts (gnomAD); In silico analysis supports that this missense variant does not alter protein structure/function; Observed in an individual with glioblastoma (PMID: 26689913); Also known as 8353A>G; This variant is associated with the following publications: (PMID: 29884841, 32377563, 12228710, 26689913)

CHEO Genetics Diagnostic Laboratory, Children's Hospital of Eastern Ontario
Classification: Uncertain significance for Breast and/or ovarian cancer. Last evaluated: 2015-12-31. Review status: criteria provided, single submitter. Criteria: ACMG Guidelines, 2015. Collection method: clinical testing. Allele origin: germline. Study: Canadian Open Genetics Repository.

PreventionGenetics, part of Exact Sciences
Classification: Uncertain significance for BRCA2-related condition. Last evaluated: 2023-10-21. Review status: no assertion criteria provided. Collection method: clinical testing. Allele origin: germline. Not counted in ClinVar's aggregate classification.
Comment: The BRCA2 c.8125A>G variant is predicted to result in the amino acid substitution p.Ser2709Gly. To our knowledge, this variant has not been reported in the literature. This variant is reported in 0.020% of alleles in individuals of African descent in gnomAD. At this time, the clinical significance of this variant is uncertain due to the absence of conclusive functional and genetic evidence.

Sharing Clinical Reports Project (SCRP)
Classification: Uncertain significance for Breast-ovarian cancer, familial 2. Last evaluated: 2011-07-13. Review status: no assertion criteria provided. Collection method: clinical testing. Allele origin: germline. Not counted in ClinVar's aggregate classification.

Literature cited by the submitters: PubMed 26689913 (cited by Women's Health and Genetics/Laboratory Corporation of America, LabCorp and Quest Diagnostics Nichols Institute San Juan Capistrano); PubMed 31853058 (cited by Quest Diagnostics Nichols Institute San Juan Capistrano); PubMed 39779848 (cited by Quest Diagnostics Nichols Institute San Juan Capistrano); PubMed 26295337 (cited by Quest Diagnostics Nichols Institute San Juan Capistrano).